The following is an entry in ClinVar:

NM_182641.4(BPTF):c.841A>G (p.Thr281Ala)

Gene: BPTF (bromodomain PHD finger transcription factor; plus strand). Cytogenetic location: 17q24.2.
Variant type: single nucleotide variant.
Coding change: c.841A>G on transcript NM_182641.4 (MANE Select); coding-DNA position 841, A replaced by G.
Protein change: p.Thr281Ala; replaces threonine 281 with alanine.
Molecular consequence: missense variant.
Genome position (GRCh38, 1-based): chr17:67,854,167, A>G. VCF-style: chr17-67854167-A-G. GRCh37 (hg19) VCF-style: chr17-65850283-A-G.
Other names: c.841A>G, p.Thr281Ala (NM_004459.7); short protein forms T281A.
Identifiers: ClinVar variation 2136039 (VCV002136039.1), dbSNP rs1249286324, ClinGen allele CA400720075.

ClinVar aggregate classification (germline): Uncertain significance (1 of 4 stars; one submission).

Submission:

GeneDx
Classification: Uncertain significance. Last evaluated: 2022-07-20. Review status: criteria provided, single submitter. Criteria: GeneDx Variant Classification Process June 2021. Collection method: clinical testing. Allele origin: germline. Affected: yes.
Comment: Not observed at significant frequency in large population cohorts (gnomAD); In silico analysis supports that this missense variant has a deleterious effect on protein structure/function; Has not been previously published as pathogenic or benign to our knowledge